The following is an entry in ClinVar:

ClinVar aggregate classification (germline): Pathogenic/Likely pathogenic. Review status: criteria provided, multiple submitters, no conflicts (2 of 4 stars). 3 submissions from 3 submitters: Pathogenic (2); Likely pathogenic (1). Last evaluated 2025-11-07.

Conditions:
Bartter syndrome. Identifiers: Orphanet 112, MedGen C0004775, MONDO:0015231.
CLCNKB-related disorders.

gnomAD v4.1: 5 of 1,612,152 alleles (0.00031%); highest among the groups gnomAD compares: Non-Finnish European, 0.00042%; no homozygotes.

Submissions (3):

Women's Health and Genetics/Laboratory Corporation of America, LabCorp
Classification: Pathogenic for Bartter syndrome. Last evaluated: 2025-11-07. Review status: criteria provided, single submitter. Criteria: LabCorp Variant Classification Summary - May 2015. Collection method: clinical testing. Allele origin: germline.
Comment: Variant summary: CLCNKB c.229G>C (p.Ala77Pro) results in a non-conservative amino acid change in the encoded protein sequence. Algorithms developed to predict the effect of missense changes on protein structure and function all suggest that this variant is likely to be disruptive. Several computational tools predict a significant impact on normal splicing: Three predict the variant abolishes the canonical 5' splicing donor site and one predicts the variant weakens the 5' donor site. At least one publication reports experimental evidence that this variant indeed affects mRNA splicing (Xin_2022). The variant was absent in 251168 control chromosomes. c.229G>C has been observed in two homozygous siblings affected with Bartter Syndrome, Type 3 (Robitaille_2011). These data indicate that the variant is likely to be associated with disease. The following publications have been ascertained in the context of this evaluation (PMID: 21479528, 36092934). ClinVar contains an entry for this variant (Variation ID: 3340165). Based on the evidence outlined above, the variant was classified as pathogenic.

Blueprint Genetics
Classification: Pathogenic for CLCNKB-related disorders. Last evaluated: 2024-11-07. Review status: criteria provided, single submitter. Criteria: ACMG Guidelines, 2015. Collection method: clinical testing. Allele origin: germline. Affected: yes. Observed: 2 variant alleles.

GeneDx
Classification: Likely pathogenic. Last evaluated: 2023-04-12. Review status: criteria provided, single submitter. Criteria: GeneDx Variant Classification Process June 2021. Collection method: clinical testing. Allele origin: germline. Affected: yes.
Comment: Alters the last nucleotide of the exon and is predicted to destroy the splice donor site but the effect on protein function is unclear; Not observed at significant frequency in large population cohorts (gnomAD); This variant is associated with the following publications: (PMID: 36092934, 21479528)

Literature cited by the submitters: PubMed 36092934 (cited by Women's Health and Genetics/Laboratory Corporation of America, LabCorp); PubMed 21479528 (cited by Women's Health and Genetics/Laboratory Corporation of America, LabCorp).

NM_000085.5(CLCNKB):c.229G>C (p.Ala77Pro)

Genes: CLCNKB (chloride voltage-gated channel Kb; plus strand), LOC106501713 (CLCNKB recombination region; plus strand). Cytogenetic location: 1p36.13.
Variant type: single nucleotide variant.
Coding change: c.229G>C on transcript NM_000085.5 (MANE Select); coding-DNA position 229, G replaced by C.
Protein change: p.Ala77Pro; replaces alanine 77 with proline.
Molecular consequence: missense variant.
Genome position (GRCh38, 1-based): chr1:16,045,686, G>C. VCF-style: chr1-16045686-G-C. GRCh37 (hg19) VCF-style: chr1-16372181-G-C.
Other names: short protein forms A77P.
Identifiers: ClinVar variation 3340165 (VCV003340165.3).